The following is an entry in ClinVar:

ClinVar aggregate classification (germline): Benign/Likely benign. Review status: criteria provided, multiple submitters, no conflicts (2 of 4 stars). 9 submissions from 9 submitters: Benign (4); Likely benign (4). 1 of the submissions does not count toward it. Last evaluated 2026-01-14.

Conditions:
Tuberous sclerosis 2 (TSC2). Identifiers: Orphanet 805, MedGen C1860707, MONDO:0013199, OMIM 613254.
Isolated focal cortical dysplasia type II (FCORD2). Also called: Focal cortical dysplasia type II; CORTICAL DYSPLASIA OF TAYLOR. Identifiers: Orphanet 268994, MedGen C1846385, MONDO:0011818, OMIM 607341, HP:0032051.
Lymphangiomyomatosis (LAM). Also called: Lymphangioleiomyomatosis; Lymphangioleiomyomatosis, somatic. Identifiers: Orphanet 538, MedGen C0751674, MONDO:0011705, OMIM 606690.
TSC2-related disorder. Also called: TSC2-Related Disorders; TSC2-related condition.
Tuberous sclerosis syndrome (TSC). Also called: Tuberous Sclerosis Complex; Tuberous sclerosis. Identifiers: Orphanet 805, MedGen C0041341, MONDO:0001734.
Hereditary cancer-predisposing syndrome. Also called: Neoplastic Syndromes, Hereditary; Tumor predisposition; Hereditary Cancer Syndrome; Hereditary neoplastic syndrome. Identifiers: Orphanet 140162, MedGen C0027672, MeSH D009386, MONDO:0015356.

Allele frequency attached by ClinVar (database versions not stated): gnomAD exomes 0.00001 and 0.00002; ExAC 0.00002; gnomAD 0.00007; TOPMed 0.00008; ESP Exome Variant Server 0.00015.

Submissions (9):

Labcorp Genetics (formerly Invitae), Labcorp
Classification: Benign for Tuberous sclerosis 2. Last evaluated: 2026-01-14. Review status: criteria provided, single submitter. Criteria: Invitae Variant Classification Sherloc (09022015). Collection method: clinical testing. Allele origin: germline.

Myriad Genetics, Inc.
Classification: Benign for Tuberous sclerosis 2. Last evaluated: 2025-06-04. Review status: criteria provided, single submitter. Criteria: Myriad Autosomal Dominant, Autosomal Recessive and X-Linked Classification Criteria (2023). Collection method: clinical testing. Allele origin: unknown.
Comment: This variant is considered benign. This variant is a silent/synonymous amino acid change and it is not expected to impact splicing.

All of Us Research Program, National Institutes of Health
Classification: Likely benign for Tuberous sclerosis syndrome. Last evaluated: 2024-09-23. Review status: criteria provided, single submitter. Criteria: ACMG Guidelines, 2015. Collection method: clinical testing. Allele origin: germline. Inheritance: Autosomal dominant inheritance. Observed: 8 variant alleles, 8 heterozygotes.
Comment: This study involves interpretation of variants in research participants for the purpose of population health screening. Participant phenotype was not available at the time of variant classification. Additional details can be found in publication PMID: 35346344, PMCID: PMC8962531

Color Diagnostics, LLC DBA Color Health
Classification: Likely benign for Tuberous sclerosis syndrome. Last evaluated: 2022-10-09. Review status: criteria provided, single submitter. Criteria: ACMG Guidelines, 2015. Collection method: clinical testing. Allele origin: germline.

Genome-Nilou Lab
Classification: Benign for Tuberous sclerosis 2. Last evaluated: 2021-11-07. Review status: criteria provided, single submitter. Criteria: ACMG Guidelines, 2015. Collection method: clinical testing. Allele origin: germline. Affected: no.

Fulgent Genetics
Classification: Likely benign for Lymphangiomyomatosis; Isolated focal cortical dysplasia type II; Tuberous sclerosis 2. Last evaluated: 2021-10-27. Review status: criteria provided, single submitter. Criteria: ACMG Guidelines, 2015. Collection method: clinical testing. Allele origin: unknown.

Sema4
Classification: Benign for Hereditary cancer-predisposing syndrome. Last evaluated: 2021-05-10. Review status: criteria provided, single submitter. Criteria: Sema4 Curation Guidelines. Collection method: curation. Allele origin: germline.

Ambry Genetics
Classification: Likely benign for Hereditary cancer-predisposing syndrome. Last evaluated: 2019-06-25. Review status: criteria provided, single submitter. Criteria: Ambry Variant Classification Scheme 2023. Collection method: clinical testing. Allele origin: germline.

PreventionGenetics, part of Exact Sciences
Classification: Likely benign for TSC2-related condition. Last evaluated: 2024-06-19. Review status: no assertion criteria provided. Collection method: clinical testing. Allele origin: germline. Not counted in ClinVar's aggregate classification.
Comment: This variant is classified as likely benign based on ACMG/AMP sequence variant interpretation guidelines (Richards et al. 2015 PMID: 25741868, with internal and published modifications).

NM_000548.5(TSC2):c.4521C>T (p.Ser1507=)

Gene: TSC2 (TSC complex subunit 2; plus strand). Cytogenetic location: 16p13.3.
Variant type: single nucleotide variant.
Coding change: c.4521C>T on transcript NM_000548.5 (MANE Select); coding-DNA position 4521, C replaced by T.
Protein change: p.Ser1507=; no amino-acid change (serine 1507 retained).
Molecular consequence: synonymous variant.
Genome position (GRCh38, 1-based): chr16:2,084,978, C>T. VCF-style: chr16-2084978-C-T. GRCh37 (hg19) VCF-style: chr16-2134979-C-T.
Other names: c.4320C>T, p.Ser1440= (NM_001077183.3); c.4452C>T, p.Ser1484= (NM_001114382.3); c.4212C>T, p.Ser1404= (NM_001318827.2); c.4176C>T, p.Ser1392= (NM_001318829.2); c.3789C>T, p.Ser1263= (NM_001318831.2); c.4353C>T, p.Ser1451= (NM_001318832.2); c.4323C>T, p.Ser1441= (NM_001363528.2); c.4389C>T, p.Ser1463= (NM_001370404.1); and 2 more.
Identifiers: ClinVar variation 536111 (VCV000536111.24), dbSNP rs140081676, ClinGen allele CA051500.